The following is an entry in ClinVar:

ClinVar aggregate classification (germline): Benign/Likely benign. Review status: criteria provided, multiple submitters, no conflicts (2 of 4 stars). 3 submissions from 3 submitters: Benign (1); Likely benign (2). Last evaluated 2025-11-05.

Conditions:
Hereditary diffuse gastric adenocarcinoma (HDGC). Also called: DIFFUSE GASTRIC AND LOBULAR BREAST CANCER SYNDROME. Identifiers: Orphanet 26106, MedGen C1708349, MONDO:0007648, OMIM 137215.
Hereditary cancer-predisposing syndrome. Also called: Neoplastic Syndromes, Hereditary; Hereditary neoplastic syndrome; Tumor predisposition; Hereditary Cancer Syndrome. Identifiers: Orphanet 140162, MedGen C0027672, MeSH D009386, MONDO:0015356.

Allele frequency attached by ClinVar (database versions not stated): gnomAD 0.00003; gnomAD exomes 0.00005; ExAC 0.00012.
gnomAD v4.1: 41 of 1,609,350 alleles (0.0025%); highest among the groups gnomAD compares: Non-Finnish European, 0.00093%; no homozygotes.

Submissions (3):

Labcorp Genetics (formerly Invitae), Labcorp
Classification: Likely benign. Last evaluated: 2025-11-05. Review status: criteria provided, single submitter. Criteria: Invitae Variant Classification Sherloc (09022015). Collection method: clinical testing. Allele origin: germline.

Myriad Genetics, Inc.
Classification: Benign for Hereditary diffuse gastric adenocarcinoma. Last evaluated: 2024-10-11. Review status: criteria provided, single submitter. Criteria: Myriad Autosomal Dominant, Autosomal Recessive and X-Linked Classification Criteria (2023). Collection method: clinical testing. Allele origin: unknown.
Comment: This variant is considered benign. This variant is a silent/synonymous amino acid change and it is not expected to impact splicing.

Ambry Genetics
Classification: Likely benign for Hereditary cancer-predisposing syndrome. Last evaluated: 2022-05-21. Review status: criteria provided, single submitter. Criteria: Ambry Variant Classification Scheme 2023. Collection method: clinical testing. Allele origin: germline.

NM_001903.5(CTNNA1):c.1689T>C (p.Tyr563=)

Gene: CTNNA1 (catenin alpha 1; plus strand). Cytogenetic location: 5q31.2.
Variant type: single nucleotide variant.
Coding change: c.1689T>C on transcript NM_001903.5 (MANE Select); coding-DNA position 1689, T replaced by C.
Protein change: p.Tyr563=; no amino-acid change (tyrosine 563 retained).
Molecular consequence: synonymous variant.
Genome position (GRCh38, 1-based): chr5:138,924,652, T>C. VCF-style: chr5-138924652-T-C. GRCh37 (hg19) VCF-style: chr5-138260341-T-C.
Other names: c.1689T>C, p.Tyr563= (NM_001290307.3, NM_001323982.2, NM_001323983.1 and 2 more transcripts); c.1380T>C, p.Tyr460= (NM_001290309.3); c.1320T>C, p.Tyr440= (NM_001290310.3); c.579T>C, p.Tyr193= (NM_001290312.1, NM_001323987.1, NM_001323988.1 and 17 more transcripts); c.1596T>C, p.Tyr532= (NM_001323986.2); c.240T>C, p.Tyr80= (NM_001324006.1, NM_001324007.1, NM_001324008.1 and 2 more transcripts); c.486T>C, p.Tyr162= (NM_001324011.1); c.336T>C, p.Tyr112= (NM_001324012.1, NM_001324013.1).
Identifiers: ClinVar variation 1138591 (VCV001138591.12), dbSNP rs773645419, ClinGen allele CA3432009.